The following is an entry in ClinVar:

NM_001605.3(AARS1):c.-22+19G>A

Gene: AARS1 (alanyl-tRNA synthetase 1; minus strand). Cytogenetic location: 16q22.1.
Variant type: single nucleotide variant.
Coding change: c.-22+19G>A on transcript NM_001605.3 (MANE Select); 19 bases into the intron after 22 bases upstream of the start codon, G replaced by A.
Molecular consequence: intron variant.
Genome position (GRCh38, 1-based): chr16:70,289,402, C>T on the plus strand (G>A on the coding strand, the complement: AARS1 is on the minus strand). VCF-style: chr16-70289402-C-T. GRCh37 (hg19) VCF-style: chr16-70323305-C-T.
Identifiers: ClinVar variation 516017 (VCV000516017.1), dbSNP rs899186814, ClinGen allele CA283430047.
Genomic context (GRCh38, chr16:70,289,402, plus strand): 5'-TGCGGCTGCGGAGCTTTCCCCCCAGTCTGCGGGCCCAGCCGCTCTCCTAGCACCGCAGAG[C>T]TCTCCGAGGGCGGCCTACCTCTCCTAGGGTCGCCGTCCCCAGCTCCTCCCTCAGAGTCCC-3'

ClinVar aggregate classification (germline): Likely benign (1 of 4 stars; one submission).

Allele frequency attached by ClinVar (database versions not stated): gnomAD exomes below 0.00001; gnomAD 0.00003 and 0.00004; TOPMed 0.00005.
gnomAD v4.1: 6 of 378,828 alleles (0.0016%); highest among the groups gnomAD compares: Admixed American, 0.0063%; no homozygotes.

Submission:

GeneDx
Classification: Likely benign. Last evaluated: 2018-03-13. Review status: criteria provided, single submitter. Criteria: GeneDx Variant Classification (06012015). Collection method: clinical testing. Allele origin: germline. Affected: yes.
Comment: This variant is considered likely benign or benign based on one or more of the following criteria: it is a conservative change, it occurs at a poorly conserved position in the protein, it is predicted to be benign by multiple in silico algorithms, and/or has population frequency not consistent with disease.